The following is an entry in ClinVar:

NM_001002294.3(FMO3):c.1479G>A (p.Ser493=)

Gene: FMO3 (flavin containing dimethylaniline monoxygenase 3; plus strand). Cytogenetic location: 1q24.3.
Variant type: single nucleotide variant.
Coding change: c.1479G>A on transcript NM_001002294.3 (MANE Select); coding-DNA position 1479, G replaced by A.
Protein change: p.Ser493=; no amino-acid change (serine 493 retained).
Molecular consequence: synonymous variant.
Genome position (GRCh38, 1-based): chr1:171,117,322, G>A. VCF-style: chr1-171117322-G-A. GRCh37 (hg19) VCF-style: chr1-171086462-G-A.
Other names: c.1419G>A, p.Ser473= (NM_001319173.2); c.1290G>A, p.Ser430= (NM_001319174.2); c.1479G>A, p.Ser493= (NM_006894.6).
Identifiers: ClinVar variation 260068 (VCV000260068.30), dbSNP rs766383334, ClinGen allele CA1240847.

ClinVar aggregate classification (germline): Likely benign. Review status: criteria provided, multiple submitters, no conflicts (2 of 4 stars). 4 submissions from 4 submitters: Likely benign (4). Last evaluated 2025-12-14.

Allele frequency attached by ClinVar (database versions not stated): gnomAD 0.00001 and 0.00007; TOPMed 0.00003; gnomAD exomes 0.00005 and 0.00011; ExAC 0.00010.
gnomAD v4.1: 97 of 1,613,954 alleles (0.006%); highest among the groups gnomAD compares: Middle Eastern, 0.28%; 2 homozygotes.

Submissions (4):

Labcorp Genetics (formerly Invitae), Labcorp
Classification: Likely benign. Last evaluated: 2025-12-14. Review status: criteria provided, single submitter. Criteria: Invitae Variant Classification Sherloc (09022015). Collection method: clinical testing. Allele origin: germline.

Blueprint Genetics
Classification: Likely benign. Last evaluated: 2024-01-17. Review status: criteria provided, single submitter. Criteria: ACMG Guidelines, 2015. Collection method: clinical testing. Allele origin: germline.

CeGaT Center for Human Genetics Tuebingen
Classification: Likely benign. Last evaluated: 2022-12-01. Review status: criteria provided, single submitter. Criteria: CeGaT Center For Human Genetics Tuebingen Variant Classification Criteria Version 2. Collection method: clinical testing. Allele origin: germline. Affected: yes. Observed: 1 variant allele.
Comment: FMO3: BP4, BP7, BS2

PreventionGenetics, part of Exact Sciences
Classification: Likely benign. Review status: criteria provided, single submitter. Criteria: ACMG Guidelines, 2015. Collection method: clinical testing. Allele origin: germline.